The following is an entry in ClinVar:

ClinVar aggregate classification (germline): Uncertain significance (1 of 4 stars; one submission).

Conditions:
Wiskott-Aldrich syndrome 2 (WAS2). Also called: WIPF1 DEFICIENCY. Identifiers: Orphanet 906, MedGen C3281001, MONDO:0013779, OMIM 614493.

Allele frequency attached by ClinVar (database versions not stated): gnomAD exomes below 0.00001; TOPMed below 0.00001; gnomAD 0.00001.

Submission:

Labcorp Genetics (formerly Invitae), Labcorp
Classification: Uncertain significance for Wiskott-Aldrich syndrome 2. Last evaluated: 2021-12-14. Review status: criteria provided, single submitter. Criteria: Invitae Variant Classification Sherloc (09022015). Collection method: clinical testing. Allele origin: germline.
Comment: In summary, the available evidence is currently insufficient to determine the role of this variant in disease. Therefore, it has been classified as a Variant of Uncertain Significance. Algorithms developed to predict the effect of missense changes on protein structure and function are either unavailable or do not agree on the potential impact of this missense change (SIFT: "Not Available"; PolyPhen-2: "Probably Damaging"; Align-GVGD: "Not Available"). This variant has not been reported in the literature in individuals affected with WIPF1-related conditions. This variant is not present in population databases (gnomAD no frequency). This sequence change replaces leucine, which is neutral and non-polar, with phenylalanine, which is neutral and non-polar, at codon 334 of the WIPF1 protein (p.Leu334Phe).

NM_001375834.1(WIPF1):c.1000C>T (p.Leu334Phe)

Gene: WIPF1 (WAS/WASL interacting protein family member 1; minus strand). Cytogenetic location: 2q31.1.
Variant type: single nucleotide variant.
Coding change: c.1000C>T on transcript NM_001375834.1 (MANE Select); coding-DNA position 1000, C replaced by T.
Protein change: p.Leu334Phe; replaces leucine 334 with phenylalanine.
Molecular consequence: missense variant.
Genome position (GRCh38, 1-based): chr2:174,571,805, G>A on the plus strand (C>T on the coding strand, the complement: WIPF1 is on the minus strand). VCF-style: chr2-174571805-G-A. GRCh37 (hg19) VCF-style: chr2-175436533-G-A.
Other names: c.1000C>T, p.Leu334Phe (NM_001077269.1, NM_001375832.1, NM_001375833.1 and 5 more transcripts); c.622C>T, p.Leu208Phe (NM_001375839.1); short protein forms L208F, L334F.
Identifiers: ClinVar variation 2042893 (VCV002042893.3), dbSNP rs1266888888, ClinGen allele CA349340655.